The following is an entry in ClinVar:

GRCh37/hg19 4p16.3(chr4:68345-1677853)x1

Genes: ATP5ME (ATP synthase membrane subunit e; minus strand), CPLX1 (complexin 1; minus strand), CRIPAK (cysteine rich PAK1 inhibitor; plus strand), CTBP1 (C-terminal binding protein 1; minus strand), DGKQ (diacylglycerol kinase theta; minus strand) and 21 more. Cytogenetic location: 4p16.3.
Variant type: copy number loss.
Change: copy number 1 (one copy instead of two) of chr4:68,345-1,677,853 (1.61 Mb, GRCh37 coordinates, 1-based), cytogenetic band 4p16.3.
Identifiers: ClinVar variation 443200 (VCV000443200.3).

ClinVar aggregate classification (germline): Uncertain significance (0 of 4 stars; one submission).

Submission:

ISCA site 1
Classification: Uncertain significance. Last evaluated: 2018-02-14. Review status: no assertion criteria provided. Collection method: clinical testing. Allele origin: unknown. Affected: yes. Observed: 1 variant allele.
Comment: Smaller than typical deletion size.

Copy number variation identified through the course of routine clinical cytogenomic testing in postnatal populations, with clinical assertions as classified by the original submitter. For data from the original published study, Kaminsky, et al. 2011 (PubMed 21844811), please see nstd101.